The following is an entry in ClinVar:

ClinVar aggregate classification (germline): Uncertain significance (1 of 4 stars; one submission).

Conditions:
Familial thoracic aortic aneurysm and aortic dissection (TAAD). Also called: Thoracic aortic aneurysms and dissections. Identifiers: Orphanet 91387, MedGen C4707243, MONDO:0019625.

Submission:

All of Us Research Program, National Institutes of Health
Classification: Uncertain significance for Familial thoracic aortic aneurysm and aortic dissection. Last evaluated: 2023-05-04. Review status: criteria provided, single submitter. Criteria: ACMG Guidelines, 2015. Collection method: clinical testing. Allele origin: germline. Inheritance: Autosomal dominant inheritance. Observed: 1 variant allele, 1 heterozygote.
Comment: This missense variant replaces lysine with asparagine at codon 1856 of the MYH11 protein. Computational prediction is inconclusive regarding the impact of this variant on protein structure and function (internally defined REVEL score threshold 0.5 < inconclusive < 0.7, PMID: 27666373). To our knowledge, functional studies have not been reported for this variant. This variant has not been reported in individuals affected with MYH11-related disorders in the literature. This variant has not been identified in the general population by the Genome Aggregation Database (gnomAD). The available evidence is insufficient to determine the role of this variant in disease conclusively. Therefore, this variant is classified as a Variant of Uncertain Significance.

This study involves interpretation of variants in research participants for the purpose of population health screening. Participant phenotype was not available at the time of variant classification. Additional details can be found in publication PMID: 35346344, PMCID: PMC8962531

NM_002474.3(MYH11):c.5547G>C (p.Lys1849Asn)

Genes: MYH11 (myosin heavy chain 11; minus strand), NDE1 (nudE neurodevelopment protein 1; plus strand). Cytogenetic location: 16p13.11.
Variant type: single nucleotide variant.
Coding change: c.5547G>C on transcript NM_002474.3 (MANE Select); coding-DNA position 5547, G replaced by C.
Protein change: p.Lys1849Asn; replaces lysine 1849 with asparagine.
Molecular consequence: missense variant. On other transcripts: intron variant (2).
Genome position (GRCh38, 1-based): chr16:15,715,230, C>G on the plus strand (G>C on the coding strand, the complement: MYH11 is on the minus strand). VCF-style: chr16-15715230-C-G. GRCh37 (hg19) VCF-style: chr16-15809087-C-G.
Other names: c.5568G>C, p.Lys1856Asn (NM_001040113.2, NM_001040114.2); c.5547G>C, p.Lys1849Asn (NM_022844.3); c.948-8961C>G (NM_001143979.2, NM_017668.3); short protein forms K1849N, K1856N.
Identifiers: ClinVar variation 3070719 (VCV003070719.1), dbSNP rs2040060285, ClinGen allele CA394847449.